The following is an entry in ClinVar:

NM_006182.4(DDR2):c.2012C>T (p.Pro671Leu)

Gene: DDR2 (discoidin domain receptor tyrosine kinase 2; plus strand). Cytogenetic location: 1q23.3.
Variant type: single nucleotide variant.
Coding change: c.2012C>T on transcript NM_006182.4 (MANE Select); coding-DNA position 2012, C replaced by T.
Protein change: p.Pro671Leu; replaces proline 671 with leucine.
Molecular consequence: missense variant.
Genome position (GRCh38, 1-based): chr1:162,775,807, C>T. VCF-style: chr1-162775807-C-T. GRCh37 (hg19) VCF-style: chr1-162745597-C-T.
Other names: c.2012C>T, p.Pro671Leu (NM_001014796.3, NM_001354982.2, NM_001354983.2); short protein forms P671L.
Identifiers: ClinVar variation 2064816 (VCV002064816.5), dbSNP rs748984839, ClinGen allele CA1217685.
Genomic context (GRCh38, chr1:162,775,807, plus strand): 5'-GTATGATCACTGAATACATGGAGAATGGAGATCTCAATCAGTTTCTTTCCCGCCACGAGC[C>T]CCCTAATTCTTCCTCCAGCGATGTACGCACTGTCAGGTAAACAAGCCAGGTCTTCCTTCT-3'
Protein context (NP_006173.2, residues 661-681): DLNQFLSRHE[Pro671Leu]PNSSSSDVRT

ClinVar aggregate classification (germline): Uncertain significance. Review status: criteria provided, multiple submitters, no conflicts (2 of 4 stars). 2 submissions from 2 submitters: Uncertain significance (2). Last evaluated 2022-11-22.

Conditions:
Inborn genetic diseases. Identifiers: MedGen C0950123, MeSH D030342.

Allele frequency attached by ClinVar (database versions not stated): gnomAD exomes below 0.00001; TOPMed below 0.00001; ExAC 0.00001.
gnomAD v4.1: 5 of 1,614,058 alleles (0.00031%); highest among the groups gnomAD compares: African/African-American, 0.004%; no homozygotes.

Submissions (2):

Labcorp Genetics (formerly Invitae), Labcorp
Classification: Uncertain significance. Last evaluated: 2022-11-22. Review status: criteria provided, single submitter. Criteria: Invitae Variant Classification Sherloc (09022015). Collection method: clinical testing. Allele origin: germline.
Comment: In summary, the available evidence is currently insufficient to determine the role of this variant in disease. Therefore, it has been classified as a Variant of Uncertain Significance. Algorithms developed to predict the effect of missense changes on protein structure and function (SIFT, PolyPhen-2, Align-GVGD) all suggest that this variant is likely to be tolerated. This variant has not been reported in the literature in individuals affected with DDR2-related conditions. This variant is present in population databases (rs748984839, gnomAD 0.006%). This sequence change replaces proline, which is neutral and non-polar, with leucine, which is neutral and non-polar, at codon 671 of the DDR2 protein (p.Pro671Leu).

Ambry Genetics
Classification: Uncertain significance for Inborn genetic diseases. Last evaluated: 2021-08-10. Review status: criteria provided, single submitter. Criteria: Ambry Variant Classification Scheme 2023. Collection method: clinical testing. Allele origin: germline.